The following is an entry in ClinVar:

ClinVar aggregate classification (germline): Conflicting classifications of pathogenicity. Review status: criteria provided, conflicting classifications (1 of 4 stars). 9 submissions from 9 submitters: Uncertain significance (5); Likely benign (3). 1 of the submissions does not count toward it. Last evaluated 2025-12-23.

Conditions:
NHLRC1-related disorder. Also called: NHLRC1-related condition.
Lafora disease. Also called: Epilepsy progressive myoclonic 2; Progressive Myoclonus Epilepsy, Lafora Type. Identifiers: Orphanet 501, MedGen C0751783, MONDO:0009697.
Myoclonic epilepsy of Lafora 1 (MELF1). Also called: LAFORA DISEASE 1; Epilepsy, progressive myoclonic 2A (Lafora); EPM2A-Related Lafora Disease; EPILEPSY, PROGRESSIVE MYOCLONIC, 2A. Identifiers: MedGen CN377204, MONDO:0958199, OMIM 254780.
Inborn genetic diseases. Identifiers: MedGen C0950123, MeSH D030342.
Myoclonic epilepsy of Lafora 2. Also called: NHLRC1-Related Lafora Disease; LAFORA DISEASE 2; Epilepsy, progressive myoclonic 2B (Lafora); EPILEPSY, PROGRESSIVE MYOCLONIC, 2B. Identifiers: MedGen C1850764, MONDO:0800306, OMIM 620681.

Allele frequency attached by ClinVar (database versions not stated): gnomAD exomes 0.00014; ESP Exome Variant Server 0.00090; ExAC 0.00018; 1000 Genomes Project 0.00060; 1000 Genomes Project 30x 0.00062; gnomAD 0.00097 and 0.00108; TOPMed 0.00105.

Submissions (9):

Labcorp Genetics (formerly Invitae), Labcorp
Classification: Likely benign for Lafora disease. Last evaluated: 2025-12-23. Review status: criteria provided, single submitter. Criteria: Invitae Variant Classification Sherloc (09022015). Collection method: clinical testing. Allele origin: germline.

Department of Pathology and Laboratory Medicine, Sinai Health System
Classification: Uncertain significance for Myoclonic epilepsy of Lafora 2. Last evaluated: 2021-07-30. Review status: criteria provided, single submitter. Criteria: ACMG Guidelines, 2015. Collection method: research. Allele origin: germline.

GeneDx
Classification: Likely benign. Last evaluated: 2020-12-09. Review status: criteria provided, single submitter. Criteria: GeneDx Variant Classification Process June 2021. Collection method: clinical testing. Allele origin: germline. Affected: yes.

Ambry Genetics
Classification: Likely benign for Inborn genetic diseases. Last evaluated: 2019-01-28. Review status: criteria provided, single submitter. Criteria: Ambry Variant Classification Scheme 2023. Collection method: clinical testing. Allele origin: germline.

Revvity Omics, Revvity
Classification: Uncertain significance for Myoclonic epilepsy of Lafora 1. Last evaluated: 2019-01-25. Review status: criteria provided, single submitter. Criteria: ACMG Guidelines, 2015. Collection method: clinical testing. Allele origin: germline.

Baylor Genetics
Classification: Uncertain significance for Myoclonic epilepsy of Lafora 1. Last evaluated: 2018-05-25. Review status: criteria provided, single submitter. Criteria: ACMG Guidelines, 2015. Collection method: clinical testing. Allele origin: unknown. Affected: yes.
Comment: This variant was determined to be of uncertain significance according to ACMG Guidelines, 2015 [PMID:25741868].

Eurofins Ntd Llc (ga)
Classification: Uncertain significance. Last evaluated: 2018-04-09. Review status: criteria provided, single submitter. Criteria: EGL ClinVar v180209 classification definitions. Collection method: clinical testing. Allele origin: germline. Observed: 3 variant alleles, 3 heterozygotes.

Athena Diagnostics
Classification: Uncertain significance. Last evaluated: 2016-09-08. Review status: criteria provided, single submitter. Criteria: Athena Diagnostics Criteria. Collection method: clinical testing. Allele origin: germline.

PreventionGenetics, part of Exact Sciences
Classification: Likely benign for NHLRC1-related condition. Last evaluated: 2023-01-30. Review status: no assertion criteria provided. Collection method: clinical testing. Allele origin: germline. Not counted in ClinVar's aggregate classification.
Comment: This variant is classified as likely benign based on ACMG/AMP sequence variant interpretation guidelines (Richards et al. 2015 PMID: 25741868, with internal and published modifications).

NM_198586.3(NHLRC1):c.46A>G (p.Met16Val)

Gene: NHLRC1 (NHL repeat containing E3 ubiquitin protein ligase 1; minus strand). Cytogenetic location: 6p22.3.
Variant type: single nucleotide variant.
Coding change: c.46A>G on transcript NM_198586.3 (MANE Select); coding-DNA position 46, A replaced by G.
Protein change: p.Met16Val; replaces methionine 16 with valine.
Molecular consequence: missense variant.
Genome position (GRCh38, 1-based): chr6:18,122,561, T>C on the plus strand (A>G on the coding strand, the complement: NHLRC1 is on the minus strand). VCF-style: chr6-18122561-T-C. GRCh37 (hg19) VCF-style: chr6-18122792-T-C.
Other names: p.M16V:ATG>GTG; short protein forms M16V.
Identifiers: ClinVar variation 193518 (VCV000193518.26), dbSNP rs146636139, ClinGen allele CA239051.